The following is an entry in ClinVar:

ClinVar aggregate classification (germline): Uncertain significance (1 of 4 stars; one submission).

Submission:

GeneDx
Classification: Uncertain significance. Last evaluated: 2023-11-19. Review status: criteria provided, single submitter. Criteria: GeneDx Variant Classification Process June 2021. Collection method: clinical testing. Allele origin: germline. Affected: yes.
Comment: Not observed at significant frequency in large population cohorts (gnomAD); In silico analysis supports that this missense variant has a deleterious effect on protein structure/function; Has not been previously published as pathogenic or benign to our knowledge

NM_004830.4(MED23):c.1198G>T (p.Asp400Tyr)

Gene: MED23 (mediator complex subunit 23; minus strand). Cytogenetic location: 6q23.2.
Variant type: single nucleotide variant.
Coding change: c.1198G>T on transcript NM_004830.4 (MANE Select); coding-DNA position 1198, G replaced by T.
Protein change: p.Asp400Tyr; replaces aspartic acid 400 with tyrosine.
Molecular consequence: missense variant.
Genome position (GRCh38, 1-based): chr6:131,607,951, C>A on the plus strand (G>T on the coding strand, the complement: MED23 is on the minus strand). VCF-style: chr6-131607951-C-A. GRCh37 (hg19) VCF-style: chr6-131929091-C-A.
Other names: c.1198G>T, p.Asp400Tyr (NM_001270521.2, NM_001270522.2, NM_001376519.1 and 3 more transcripts); c.1216G>T, p.Asp406Tyr (NM_001376517.1, NM_015979.4); c.1144G>T, p.Asp382Tyr (NM_001376518.1); c.1057G>T, p.Asp353Tyr (NM_001376520.1); c.943G>T, p.Asp315Tyr (NM_001376523.1); short protein forms D315Y, D353Y, D382Y, D400Y, D406Y.
Identifiers: ClinVar variation 3364292 (VCV003364292.1).